The following is an entry in ClinVar:

NM_016553.5(NUP62):c.822_830del (p.Ala275_Ala277del)

Genes: IL4I1 (interleukin 4 induced 1; minus strand), NUP62 (nucleoporin 62; minus strand). Cytogenetic location: 19q13.33.
Variant type: Deletion.
Coding change: c.822_830del on transcript NM_016553.5 (MANE Select); coding-DNA positions 822 to 830, 9 bases deleted (TGCCACCGC; older notation c.822_830delTGCCACCGC).
Protein change: p.Ala275_Ala277del.
Molecular consequence: inframe deletion. On other transcripts: intron variant (3).
Genome position (GRCh38, 1-based): chr19:49,908,978-49,908,986, GCGGTGGCA deleted on the plus strand (TGCCACCGC on the coding strand, the reverse complement: NUP62 is on the minus strand); deleting any 9 consecutive bases within chr19:49,908,978-49,908,993 gives the same sequence; the c. name uses the placement nearest the transcript's 3' end. VCF-style (leftmost placement, unchanged base first): chr19-49908977-GGCGGTGGCA-G. GRCh37 (hg19) VCF-style: chr19-50412234-GGCGGTGGCA-G.
Other names: c.822_830del, p.Ala275_Ala277del (NM_001193357.2, NM_012346.5, NM_153718.4 and 1 more transcripts); c.-227-4665_-227-4657del (NM_001258017.2, NM_172374.3); c.-285-4665_-285-4657del (NM_001258018.2).
Identifiers: ClinVar variation 1510962 (VCV001510962.8), dbSNP rs762094191, ClinGen allele CA9589028.
Genomic context (GRCh38, chr19:49,908,977, plus strand): 5'-CAGTGGTTTTAAATTCAAGGCAAAGCCGGTGGTGCTGCTGCTGCTGGTGGTGGTGGCGGT[GGCGGTGGCA>G]GCGGTGGATGTTGTTGTGGAGGTGCCGGAAGCTGCTCCAGGTGCCTTTAAGCTGAAGCCC-3'

ClinVar aggregate classification (germline): Uncertain significance. Review status: criteria provided, multiple submitters, no conflicts (2 of 4 stars). 2 submissions from 2 submitters: Uncertain significance (2). Last evaluated 2025-11-23.

Conditions:
Familial infantile bilateral striatal necrosis (FBSN). Also called: BILATERAL STRIATAL NECROSIS, INFANTILE. Identifiers: Orphanet 225154, MedGen C4087174, MONDO:0010080, OMIM 271930.

Submissions (2):

Labcorp Genetics (formerly Invitae), Labcorp
Classification: Uncertain significance. Last evaluated: 2025-11-23. Review status: criteria provided, single submitter. Criteria: Invitae Variant Classification Sherloc (09022015). Collection method: clinical testing. Allele origin: germline.
Comment: This variant, c.822_830del, results in the deletion of 3 amino acid(s) of the NUP62 protein (p.Ala275_Ala277del), but otherwise preserves the integrity of the reading frame. This variant is present in population databases (rs762094191, gnomAD 0.04%). This variant has not been reported in the literature in individuals affected with NUP62-related conditions. ClinVar contains an entry for this variant (Variation ID: 1510962). Experimental studies and prediction algorithms are not available or were not evaluated, and the functional significance of this variant is currently unknown. In summary, the available evidence is currently insufficient to determine the role of this variant in disease. Therefore, it has been classified as a Variant of Uncertain Significance.

Department of Pathology and Laboratory Medicine, Sinai Health System
Classification: Uncertain significance for Familial infantile bilateral striatal necrosis. Last evaluated: 2021-07-30. Review status: criteria provided, single submitter. Criteria: ACMG Guidelines, 2015. Collection method: research. Allele origin: germline.